The following is an entry in ClinVar:

NM_001458.5(FLNC):c.5431C>T (p.Arg1811Trp)

Genes: FLNC (filamin C; plus strand), FLNC-AS1 (FLNC antisense RNA 1; minus strand). Cytogenetic location: 7q32.1.
Variant type: single nucleotide variant.
Coding change: c.5431C>T on transcript NM_001458.5 (MANE Select); coding-DNA position 5431, C replaced by T.
Protein change: p.Arg1811Trp; replaces arginine 1811 with tryptophan.
Molecular consequence: missense variant.
Genome position (GRCh38, 1-based): chr7:128,850,835, C>T. VCF-style: chr7-128850835-C-T. GRCh37 (hg19) VCF-style: chr7-128490889-C-T.
Other names: c.5332C>T, p.Arg1778Trp (NM_001127487.2); short protein forms R1778W, R1811W.
Identifiers: ClinVar variation 959931 (VCV000959931.15), dbSNP rs374794518, ClinGen allele CA4475695.

ClinVar aggregate classification (germline): Uncertain significance. Review status: criteria provided, multiple submitters, no conflicts (2 of 4 stars). 5 submissions from 5 submitters: Uncertain significance (5). Last evaluated 2025-10-29.

Conditions:
Hypertrophic cardiomyopathy 26. Also called: Cardiomyopathy, familial hypertrophic, 26. Identifiers: Orphanet 75249, MedGen C4310749, MONDO:0014883, OMIM 617047.
Myofibrillar myopathy 5. Also called: FILAMINOPATHY, AUTOSOMAL DOMINANT; Filaminopathy (type). Identifiers: Orphanet 171445, MedGen C1836050, MONDO:0012289, OMIM 609524.
Distal myopathy with posterior leg and anterior hand involvement. Also called: WILLIAMS DISTAL MYOPATHY. Identifiers: Orphanet 63273, MedGen C3279722, MONDO:0013550, OMIM 614065.
Cardiovascular phenotype. Identifiers: MedGen CN230736.

Allele frequency attached by ClinVar (database versions not stated): gnomAD 0.00001; gnomAD exomes 0.00002 and 0.00005; TOPMed 0.00002; ExAC 0.00005; ESP Exome Variant Server 0.00008.
gnomAD v4.1: 40 of 1,613,714 alleles (0.0025%); highest among the groups gnomAD compares: South Asian, 0.0055%; no homozygotes.

Submissions (5):

Labcorp Genetics (formerly Invitae), Labcorp
Classification: Uncertain significance for Distal myopathy with posterior leg and anterior hand involvement; Myofibrillar myopathy 5; Hypertrophic cardiomyopathy 26. Last evaluated: 2025-10-29. Review status: criteria provided, single submitter. Criteria: Invitae Variant Classification Sherloc (09022015). Collection method: clinical testing. Allele origin: germline.
Comment: This sequence change replaces arginine, which is basic and polar, with tryptophan, which is neutral and slightly polar, at codon 1811 of the FLNC protein (p.Arg1811Trp). This variant is present in population databases (rs374794518, gnomAD 0.02%), and has an allele count higher than expected for a pathogenic variant. This variant has not been reported in the literature in individuals affected with FLNC-related conditions. ClinVar contains an entry for this variant (Variation ID: 959931). Invitae Evidence Modeling of protein sequence and biophysical properties (such as structural, functional, and spatial information, amino acid conservation, physicochemical variation, residue mobility, and thermodynamic stability) has been performed for this missense variant. However, the output from this modeling did not meet the statistical confidence thresholds required to predict the impact of this variant on FLNC protein function. In summary, the available evidence is currently insufficient to determine the role of this variant in disease. Therefore, it has been classified as a Variant of Uncertain Significance.

Ambry Genetics
Classification: Uncertain significance for Cardiovascular phenotype. Last evaluated: 2025-10-27. Review status: criteria provided, single submitter. Criteria: Ambry Variant Classification Scheme 2023. Collection method: clinical testing. Allele origin: germline.
Comment: The p.R1811W variant (also known as c.5431C>T), located in coding exon 33 of the FLNC gene, results from a C to T substitution at nucleotide position 5431. The arginine at codon 1811 is replaced by tryptophan, an amino acid with dissimilar properties. This amino acid position is well conserved in available vertebrate species. In addition, the in silico prediction for this alteration is inconclusive. Based on the available evidence, the clinical significance of this variant remains unclear.

Fulgent Genetics
Classification: Uncertain significance for Myofibrillar myopathy 5; Distal myopathy with posterior leg and anterior hand involvement; Hypertrophic cardiomyopathy 26. Last evaluated: 2022-02-17. Review status: criteria provided, single submitter. Criteria: ACMG Guidelines, 2015. Collection method: clinical testing. Allele origin: unknown.

Revvity Omics, Revvity
Classification: Uncertain significance. Last evaluated: 2022-02-01. Review status: criteria provided, single submitter. Criteria: ACMG Guidelines, 2015. Collection method: clinical testing. Allele origin: germline.

GeneDx
Classification: Uncertain significance. Last evaluated: 2020-04-13. Review status: criteria provided, single submitter. Criteria: GeneDx Variant Classification Process June 2021. Collection method: clinical testing. Allele origin: germline. Affected: yes.
Comment: Has not been previously published as pathogenic or benign to our knowledge; In silico analysis supports that this missense variant has a deleterious effect on protein structure/function